The following is an entry in ClinVar:

NM_014249.4(NR2E3):c.246-14del

Gene: NR2E3 (nuclear receptor subfamily 2 group E member 3; plus strand). Cytogenetic location: 15q23.
Variant type: Deletion.
Coding change: c.246-14del on transcript NM_014249.4 (MANE Select); 14 bases into the intron before coding-DNA position 246, one base deleted (C; older notation c.246-14delC).
Molecular consequence: intron variant.
Genome position (GRCh38, 1-based): chr15:71,811,752, C deleted; the last of 2 consecutive C bases (chr15:71,811,751-71,811,752); deleting either gives the same sequence. VCF-style (leftmost placement, unchanged base first): chr15-71811750-TC-T. GRCh37 (hg19) VCF-style: chr15-72104090-TC-T.
Other names: c.246-14del (NM_016346.4).
Identifiers: ClinVar variation 5003672 (VCV005003672.1).

ClinVar aggregate classification (germline): Uncertain significance (1 of 4 stars; one submission).

Conditions:
ENHANCED S-CONE SYNDROME 1 (ESCS1). Also called: RETINOSCHISIS WITH EARLY HEMERALOPIA; FAVRE HYALOIDEORETINAL DEGENERATION. Identifiers: MedGen CN380299, OMIM 268100.

Submission:

Myriad Genetics, Inc.
Classification: Uncertain significance for ENHANCED S-CONE SYNDROME 1. Last evaluated: 2025-07-29. Review status: criteria provided, single submitter. Criteria: Myriad Autosomal Dominant, Autosomal Recessive and X-Linked Classification Criteria (2023). Collection method: clinical testing. Allele origin: unknown.
Comment: NM_014249.2(NR2E3):c.246-14delC is an intronic variant classified as a variant of uncertain significance in the context of enhanced S-cone syndrome. c.246-14delC has not been observed in cases with relevant disease. Relevant functional assessments of this variant are not available in the literature. c.246-14delC has not been observed in referenced population frequency databases. In summary, there is insufficient evidence to classify NM_014249.2(NR2E3):c.246-14delC as pathogenic or benign. Please note: this variant was assessed in the context of healthy population screening.